The following is an entry in ClinVar:

ClinVar aggregate classification (germline): Benign (1 of 4 stars; one submission).

Allele frequency attached by ClinVar (database versions not stated): 1000 Genomes Project 0.00260; 1000 Genomes Project 30x 0.00312; ESP Exome Variant Server 0.00519; gnomAD 0.00639; TOPMed 0.00675; ExAC 0.00835; gnomAD exomes 0.00960.

Submission:

CeGaT Center for Human Genetics Tuebingen
Classification: Benign. Last evaluated: 2026-09-01. Review status: criteria provided, single submitter. Criteria: CeGaT Center For Human Genetics Tuebingen Variant Classification Criteria Version 2. Collection method: clinical testing. Allele origin: germline. Affected: yes. Observed: 17 variant alleles.
Comment: ATCAY: BS1, BS2

NM_033064.5(ATCAY):c.647+17G>A

Gene: ATCAY (ATCAY kinesin light chain interacting caytaxin; plus strand). Cytogenetic location: 19p13.3.
Variant type: single nucleotide variant.
Coding change: c.647+17G>A on transcript NM_033064.5 (MANE Select); 17 bases into the intron after coding-DNA position 647, G replaced by A.
Molecular consequence: intron variant.
Genome position (GRCh38, 1-based): chr19:3,908,387, G>A. VCF-style: chr19-3908387-G-A. GRCh37 (hg19) VCF-style: chr19-3908385-G-A.
Identifiers: ClinVar variation 1879412 (VCV001879412.29), dbSNP rs186430171, ClinGen allele CA9087278.